The following is an entry in ClinVar:

ClinVar aggregate classification (germline): Pathogenic (1 of 4 stars; one submission).

Allele frequency attached by ClinVar (database versions not stated): TOPMed 0.00001.

Submission:

Labcorp Genetics (formerly Invitae), Labcorp
Classification: Pathogenic. Last evaluated: 2022-06-29. Review status: criteria provided, single submitter. Criteria: Invitae Variant Classification Sherloc (09022015). Collection method: clinical testing. Allele origin: germline.
Comment: This sequence change creates a premature translational stop signal (p.Glu377*) in the IFT74 gene. It is expected to result in an absent or disrupted protein product. Loss-of-function variants in IFT74 are known to be pathogenic (PMID: 33531668). This variant is not present in population databases (gnomAD no frequency). This variant has not been reported in the literature in individuals affected with IFT74-related conditions. For these reasons, this variant has been classified as Pathogenic.

Literature cited by the submitters: PubMed 33531668.

NM_025103.4(IFT74):c.1129G>T (p.Glu377Ter)

Gene: IFT74 (intraflagellar transport 74; plus strand). Cytogenetic location: 9p21.2.
Variant type: single nucleotide variant.
Coding change: c.1129G>T on transcript NM_025103.4 (MANE Select); coding-DNA position 1129, G replaced by T.
Protein change: p.Glu377Ter; replaces glutamic acid 377 with a stop codon.
Molecular consequence: nonsense.
Genome position (GRCh38, 1-based): chr9:27,047,294, G>T. VCF-style: chr9-27047294-G-T. GRCh37 (hg19) VCF-style: chr9-27047292-G-T.
Other names: c.1129G>T, p.Glu377Ter (NM_001099222.3, NM_001099223.3, NM_001349928.2); short protein forms E377*.
Identifiers: ClinVar variation 1942091 (VCV001942091.2), dbSNP rs1819734528, ClinGen allele CA373125111.
Genomic context (GRCh38, chr9:27,047,294, plus strand): 5'-TCTATCAGCAGTAATCTCTCTTATGTTTTCCAATTGTCAGCTTTTATTGAGACTTTTGAG[G>T]AAACAAAGAATCAGGAACTGAAACGAAAGGCACAGATAGAAGCCAACATTGTTGCACTCT-3'